The following is an entry in ClinVar:

NM_025144.4(ALPK1):c.3189-4_3189-3insCACAACAAAGAAGGTATGTTGGGA

Gene: ALPK1 (alpha kinase 1; plus strand). Cytogenetic location: 4q25.
Variant type: Microsatellite.
Coding change: c.3189-4_3189-3insCACAACAAAGAAGGTATGTTGGGA on transcript NM_025144.4 (MANE Select); 4 bases into the intron before coding-DNA position 3189 through 3 bases into the intron before coding-DNA position 3189, CACAACAAAGAAGGTATGTTGGGA inserted.
Molecular consequence: intron variant.
Genome position: GRCh38 VCF-style: chr4-112438479-C-CACACAACAAAGAAGGTATGTTGGG. GRCh37 (hg19) VCF-style: chr4-113359635-C-CACACAACAAAGAAGGTATGTTGGG.
Other names: c.3189-4_3189-3insCACAACAAAGAAGGTATGTTGGGA (NM_001102406.2); c.2955-4_2955-3insCACAACAAAGAAGGTATGTTGGGA (NM_001253884.2).
Identifiers: ClinVar variation 3002955 (VCV003002955.3), dbSNP rs1734881656.

ClinVar aggregate classification (germline): Uncertain significance (1 of 4 stars; one submission).

Submission:

Labcorp Genetics (formerly Invitae), Labcorp
Classification: Uncertain significance. Last evaluated: 2026-01-23. Review status: criteria provided, single submitter. Criteria: Invitae Variant Classification Sherloc (09022015). Collection method: clinical testing. Allele origin: germline.
Comment: This sequence change falls in intron 12 of the ALPK1 gene. It does not directly change the encoded amino acid sequence of the ALPK1 protein. This variant is not present in population databases (gnomAD no frequency). This variant has not been reported in the literature in individuals affected with ALPK1-related conditions. Experimental studies and prediction algorithms are not available or were not evaluated, and the effect of this variant on mRNA splicing is currently unknown. In summary, the available evidence is currently insufficient to determine the role of this variant in disease. Therefore, it has been classified as a Variant of Uncertain Significance.